The following is an entry in ClinVar:

NM_005739.4(RASGRP1):c.490T>A (p.Leu164Ile)

Gene: RASGRP1 (RAS guanyl releasing protein 1; minus strand). Cytogenetic location: 15q14.
Variant type: single nucleotide variant.
Coding change: c.490T>A on transcript NM_005739.4 (MANE Select); coding-DNA position 490, T replaced by A.
Protein change: p.Leu164Ile; replaces leucine 164 with isoleucine.
Molecular consequence: missense variant.
Genome position (GRCh38, 1-based): chr15:38,518,323, A>T on the plus strand (T>A on the coding strand, the complement: RASGRP1 is on the minus strand). VCF-style: chr15-38518323-A-T. GRCh37 (hg19) VCF-style: chr15-38810524-A-T.
Other names: p.Leu164Ile; c.490T>A, p.Leu164Ile (NM_001128602.2, NM_001306086.2); short protein forms L164I.
Identifiers: ClinVar variation 784309 (VCV000784309.15), dbSNP rs75646785, ClinGen allele CA7471105.

ClinVar aggregate classification (germline): Benign. Review status: criteria provided, multiple submitters, no conflicts (2 of 4 stars). 4 submissions from 4 submitters: Benign (3). 1 of the submissions does not count toward it. Last evaluated 2026-01-29.

Conditions:
RASGRP1-related disorder. Also called: RASGRP1-related condition.

Allele frequency attached by ClinVar (database versions not stated): gnomAD exomes 0.00116 and 0.00275; ExAC 0.00410; gnomAD 0.01092 and 0.01200; ESP Exome Variant Server 0.01137; 1000 Genomes Project 0.01298; TOPMed 0.01303; 1000 Genomes Project 30x 0.01374.
gnomAD v4.1: 3,473 of 1,610,256 alleles (0.22%); highest among the groups gnomAD compares: African/African-American, 3.8%; 71 homozygotes.

Submissions (4):

Labcorp Genetics (formerly Invitae), Labcorp
Classification: Benign. Last evaluated: 2026-01-29. Review status: criteria provided, single submitter. Criteria: Invitae Variant Classification Sherloc (09022015). Collection method: clinical testing. Allele origin: germline.

Mayo Clinic Laboratories, Mayo Clinic
Classification: Benign. Last evaluated: 2023-09-05. Review status: criteria provided, single submitter. Criteria: ACMG Guidelines, 2015. Collection method: clinical testing. Allele origin: germline. Observed: 6 variant alleles.
Comment: BS1, BS2, BP4

Breakthrough Genomics
Classification: Benign. Review status: criteria provided, single submitter. Criteria: ACMG Guidelines, 2015. Collection method: not provided. Allele origin: germline. Inheritance: Autosomal recessive inheritance. Affected: yes.

PreventionGenetics, part of Exact Sciences
Classification: Benign for RASGRP1-related condition. Last evaluated: 2019-10-01. Review status: no assertion criteria provided. Collection method: clinical testing. Allele origin: germline. Not counted in ClinVar's aggregate classification.
Comment: This variant is classified as benign based on ACMG/AMP sequence variant interpretation guidelines (Richards et al. 2015 PMID: 25741868, with internal and published modifications).